The following is an entry in ClinVar:

ClinVar aggregate classification (germline): Benign/Likely benign. Review status: criteria provided, multiple submitters, no conflicts (2 of 4 stars). 2 submissions from 2 submitters: Benign (1); Likely benign (1). Last evaluated 2025-04-01.

Allele frequency attached by ClinVar (database versions not stated): 1000 Genomes Project 30x 0.00250; 1000 Genomes Project 0.00260; ESP Exome Variant Server 0.00369; gnomAD 0.00369.
gnomAD v4.1: 7,551 of 1,610,506 alleles (0.47%); highest among the groups gnomAD compares: Middle Eastern, 3.7%; 41 homozygotes.

Submissions (2):

CeGaT Center for Human Genetics Tuebingen
Classification: Likely benign. Last evaluated: 2025-04-01. Review status: criteria provided, single submitter. Criteria: CeGaT Center For Human Genetics Tuebingen Variant Classification Criteria Version 2. Collection method: clinical testing. Allele origin: germline. Affected: yes. Observed: 7 variant alleles.
Comment: GIGYF2: BP4, BP7, BS2

Mayo Clinic Laboratories, Mayo Clinic
Classification: Benign. Last evaluated: 2023-03-09. Review status: criteria provided, single submitter. Criteria: ACMG Guidelines, 2015. Collection method: clinical testing. Allele origin: germline. Observed: 6 variant alleles.
Comment: BS1, BS2, BP4, BP7

NM_001103146.3(GIGYF2):c.1716G>T (p.Ala572=)

Gene: GIGYF2 (GRB10 interacting GYF protein 2; plus strand). Cytogenetic location: 2q37.1.
Variant type: single nucleotide variant.
Coding change: c.1716G>T on transcript NM_001103146.3 (MANE Select); coding-DNA position 1716, G replaced by T.
Protein change: p.Ala572=; no amino-acid change (alanine 572 retained).
Molecular consequence: synonymous variant. On other transcripts: non-coding transcript variant (1).
Genome position (GRCh38, 1-based): chr2:232,806,567, G>T. VCF-style: chr2-232806567-G-T. GRCh37 (hg19) VCF-style: chr2-233671277-G-T.
Other names: p.Ala572=; c.1779G>T, p.Ala593= (NM_001103147.2); c.1698G>T, p.Ala566= (NM_001103148.2); c.1716G>T, p.Ala572= (NM_015575.4); c.1716G>T (NM_001103146.2).
Identifiers: ClinVar variation 2652011 (VCV002652011.25), dbSNP rs114498122, ClinGen allele CA2170424.